The following is an entry in ClinVar:

ClinVar aggregate classification (germline): Conflicting classifications of pathogenicity. Review status: criteria provided, conflicting classifications (1 of 4 stars). 5 submissions from 5 submitters: Uncertain significance (4); Likely benign (1). Last evaluated 2025-03-21.

Conditions:
Wolcott-Rallison dysplasia. Also called: MED-IDDM SYNDROME; Wolcott-Rallison syndrome. Identifiers: Orphanet 1667, MedGen C0432217, MONDO:0009192, OMIM 226980.
Inborn genetic diseases. Identifiers: MedGen C0950123, MeSH D030342.

Allele frequency attached by ClinVar (database versions not stated): gnomAD 0.00002 and 0.00003; TOPMed 0.00003; gnomAD exomes 0.00009; ExAC 0.00011; 1000 Genomes Project 30x 0.00016; 1000 Genomes Project 0.00020.
gnomAD v4.1: 27 of 1,613,854 alleles (0.0017%); highest among the groups gnomAD compares: East Asian, 0.058%; no homozygotes.

Submissions (5):

ARUP Laboratories, Molecular Genetics and Genomics, ARUP Laboratories
Classification: Uncertain significance for Wolcott-Rallison dysplasia. Last evaluated: 2025-03-21. Review status: criteria provided, single submitter. Criteria: ARUP Molecular Germline Variant Investigation Process 2024. Collection method: clinical testing. Allele origin: germline.
Comment: The EIF2AK3 c.2237T>C; p.Met746Thr variant (rs201662849), to our knowledge, is not reported in the medical literature but is reported in ClinVar (Variation ID: 337404). This variant is found in the East Asian population with an allele frequency of 0.13% (26/19,954 alleles) in the Genome Aggregation Database (v2.1.1). Computational analyses predict that this variant is neutral (REVEL: 0.057). Due to limited information, the clinical significance of this variant is uncertain at this time.

Ambry Genetics
Classification: Likely benign for Inborn genetic diseases. Last evaluated: 2023-04-18. Review status: criteria provided, single submitter. Criteria: Ambry Variant Classification Scheme 2023. Collection method: clinical testing. Allele origin: germline.

Labcorp Genetics (formerly Invitae), Labcorp
Classification: Uncertain significance. Last evaluated: 2022-09-01. Review status: criteria provided, single submitter. Criteria: Invitae Variant Classification Sherloc (09022015). Collection method: clinical testing. Allele origin: germline.
Comment: This sequence change replaces methionine, which is neutral and non-polar, with threonine, which is neutral and polar, at codon 746 of the EIF2AK3 protein (p.Met746Thr). This variant is present in population databases (rs201662849, gnomAD 0.1%). This variant has not been reported in the literature in individuals affected with EIF2AK3-related conditions. ClinVar contains an entry for this variant (Variation ID: 337404). Algorithms developed to predict the effect of missense changes on protein structure and function output the following: SIFT: "Tolerated"; PolyPhen-2: "Benign"; Align-GVGD: "Class C0". The threonine amino acid residue is found in multiple mammalian species, which suggests that this missense change does not adversely affect protein function. In summary, the available evidence is currently insufficient to determine the role of this variant in disease. Therefore, it has been classified as a Variant of Uncertain Significance.

Fulgent Genetics
Classification: Uncertain significance for Wolcott-Rallison dysplasia. Last evaluated: 2022-01-27. Review status: criteria provided, single submitter. Criteria: ACMG Guidelines, 2015. Collection method: clinical testing. Allele origin: unknown.

Illumina Laboratory Services, Illumina
Classification: Uncertain significance for Wolcott-Rallison dysplasia. Last evaluated: 2018-01-12. Review status: criteria provided, single submitter. Criteria: ICSL Variant Classification Criteria 13 December 2019. Collection method: clinical testing. Allele origin: germline.

NM_004836.7(EIF2AK3):c.2237T>C (p.Met746Thr)

Genes: EIF2AK3-AS1 (EIF2AK3 antisense RNA 1; plus strand), EIF2AK3 (eukaryotic translation initiation factor 2 alpha kinase 3; minus strand). Cytogenetic location: 2p11.2.
Variant type: single nucleotide variant.
Coding change: c.2237T>C on transcript NM_004836.7 (MANE Select); coding-DNA position 2237, T replaced by C.
Protein change: p.Met746Thr; replaces methionine 746 with threonine.
Molecular consequence: missense variant. On other transcripts: non-coding transcript variant (1).
Genome position (GRCh38, 1-based): chr2:88,575,246, A>G on the plus strand (T>C on the coding strand, the complement: EIF2AK3 is on the minus strand). VCF-style: chr2-88575246-A-G. GRCh37 (hg19) VCF-style: chr2-88874764-A-G.
Other names: c.1784T>C, p.Met595Thr (NM_001313915.2); short protein forms M746T, M595T.
Identifiers: ClinVar variation 337404 (VCV000337404.13), dbSNP rs201662849, ClinGen allele CA1754480.